The following is an entry in ClinVar:

NM_018834.6(MATR3):c.*496C>T

Gene: MATR3 (matrin 3; plus strand). Cytogenetic location: 5q31.2.
Variant type: single nucleotide variant.
Coding change: c.*496C>T on transcript NM_018834.6 (MANE Select); 496 bases downstream of the stop codon, C replaced by T.
Molecular consequence: 3 prime UTR variant.
Genome position (GRCh38, 1-based): chr5:139,329,891, C>T. VCF-style: chr5-139329891-C-T. GRCh37 (hg19) VCF-style: chr5-138665580-C-T.
Other names: c.*496C>T (NM_001194954.2, NM_001194955.2, NM_001194956.2 and 2 more transcripts).
Identifiers: ClinVar variation 351155 (VCV000351155.5), dbSNP rs140707719, ClinGen allele CA3433560.
Genomic context (GRCh38, chr5:139,329,891, plus strand): 5'-ACTTTCATTTGGAGTTTGAACCCGTTTTGGTTGCATTTCATTTTTGGAGAACTTAATTAA[C>T]GTGAGATTGGCAATTGAAATGCAGGTGCAGTTTTCTGTTAATGTCATGCTGTTGTTTAGG-3'

ClinVar aggregate classification (germline): Benign (1 of 4 stars; one submission).

Conditions:
Amyotrophic lateral sclerosis type 21. Also called: VOCAL CORD AND PHARYNGEAL DYSFUNCTION WITH DISTAL MYOPATHY; MYOPATHY, DISTAL, 2. Identifiers: Orphanet 600, Orphanet 803, MedGen C3807521, MONDO:0011632, OMIM 606070.

Allele frequency attached by ClinVar (database versions not stated): ExAC 0.00114; 1000 Genomes Project 30x 0.00172; 1000 Genomes Project 0.00200; gnomAD exomes 0.00330 and 0.00388; TOPMed 0.00346; gnomAD 0.00391 and 0.00411.

Submission:

Illumina Laboratory Services, Illumina
Classification: Benign for Amyotrophic lateral sclerosis type 21. Last evaluated: 2018-01-13. Review status: criteria provided, single submitter. Criteria: ICSL Variant Classification Criteria 13 December 2019. Collection method: clinical testing. Allele origin: germline.
Comment: This variant was observed in the ICSL laboratory as part of a predisposition screen in an ostensibly healthy population. It had not been previously curated by ICSL or reported in the Human Gene Mutation Database (HGMD: prior to June 1st, 2018), and was therefore a candidate for classification through an automated scoring system. Utilizing variant allele frequency, disease prevalence and penetrance estimates, and inheritance mode, an automated score was calculated to assess if this variant is too frequent to cause the disease. Based on the score and internal cut-off values, a variant classified as benign is not then subjected to further curation. The score for this variant resulted in a classification of benign for this disease.